The following is an entry in ClinVar:

NM_030943.4(AMN):c.138_162+20del

Gene: AMN (amnion associated transmembrane protein; plus strand). Cytogenetic location: 14q32.32.
Variant type: Deletion.
Coding change: c.138_162+20del on transcript NM_030943.4 (MANE Select); coding-DNA position 138 through 20 bases into the intron after coding-DNA position 162, 45 bases deleted.
Molecular consequence: splice donor variant.
Genome position (GRCh38, 1-based): chr14:102,923,805-102,923,849, 45 bases deleted; deleting any 45 consecutive bases within chr14:102,923,795-102,923,849 gives the same sequence; the c. name uses the placement nearest the transcript's 3' end. GRCh37 (hg19): chr14:103,390,142-103,390,186.
Identifiers: ClinVar variation 2893181 (VCV002893181.4), dbSNP rs1566825554, ClinGen allele CA616398251.

ClinVar aggregate classification (germline): Likely pathogenic. Review status: criteria provided, multiple submitters, no conflicts (2 of 4 stars). 2 submissions from 2 submitters: Likely pathogenic (2). Last evaluated 2024-03-18.

Conditions:
Imerslund-Grasbeck syndrome type 2. Also called: Megaloblastic anemia 1, Norwegian type; MEGALOBLASTIC ANEMIA, NORWEGIAN TYPE; Imerslund-Gräsbeck syndrome 2. Identifiers: MedGen C4016948, MONDO:0100157, OMIM 618882.
Imerslund-Grasbeck syndrome. Also called: ENTEROCYTE COBALAMIN MALABSORPTION; ENTEROCYTE INTRINSIC FACTOR RECEPTOR, DEFECT OF; Imerslund-Gräsbeck syndrome; Megaloblastic anemia due to inborn errors of metabolism; PERNICIOUS ANEMIA, JUVENILE, DUE TO SELECTIVE INTESTINAL MALABSORPTION OF VITAMIN B12, WITH PROTEINURIA. Identifiers: Orphanet 35858, MedGen C4551825, MONDO:0009853.

Submissions (2):

Labcorp Genetics (formerly Invitae), Labcorp
Classification: Likely pathogenic for Imerslund-Grasbeck syndrome. Last evaluated: 2024-03-18. Review status: criteria provided, single submitter. Criteria: Invitae Variant Classification Sherloc (09022015). Collection method: clinical testing. Allele origin: germline.
Comment: This variant results in the deletion of part of exon 2 (c.138_162+20del) of the AMN gene. It is expected to disrupt RNA splicing. Variants that disrupt the donor or acceptor splice site typically lead to a loss of protein function (PMID: 16199547), and loss-of-function variants in AMN are known to be pathogenic (PMID: 12590260, 22929189). This variant is present in population databases (no rsID available, gnomAD 0.0009%). This variant has not been reported in the literature in individuals affected with AMN-related conditions. In summary, the currently available evidence indicates that the variant is pathogenic, but additional data are needed to prove that conclusively. Therefore, this variant has been classified as Likely Pathogenic.

Fulgent Genetics
Classification: Likely pathogenic for Imerslund-Grasbeck syndrome type 2. Last evaluated: 2024-01-31. Review status: criteria provided, single submitter. Criteria: ACMG Guidelines, 2015. Collection method: clinical testing. Allele origin: germline.

Literature cited by the submitters: PubMed 16199547 (cited by Labcorp Genetics (formerly Invitae), Labcorp); PubMed 12590260 (cited by Labcorp Genetics (formerly Invitae), Labcorp); PubMed 22929189 (cited by Labcorp Genetics (formerly Invitae), Labcorp).